The following is an entry in ClinVar:

ClinVar aggregate classification (germline): Uncertain significance (1 of 4 stars; one submission).

Conditions:
Hypertrophic cardiomyopathy 26. Also called: Cardiomyopathy, familial hypertrophic, 26. Identifiers: Orphanet 75249, MedGen C4310749, MONDO:0014883, OMIM 617047.
Myofibrillar myopathy 5. Also called: Filaminopathy (type); FILAMINOPATHY, AUTOSOMAL DOMINANT. Identifiers: Orphanet 171445, MedGen C1836050, MONDO:0012289, OMIM 609524.
Distal myopathy with posterior leg and anterior hand involvement. Also called: WILLIAMS DISTAL MYOPATHY. Identifiers: Orphanet 63273, MedGen C3279722, MONDO:0013550, OMIM 614065.

Submission:

Labcorp Genetics (formerly Invitae), Labcorp
Classification: Uncertain significance for Distal myopathy with posterior leg and anterior hand involvement; Myofibrillar myopathy 5; Hypertrophic cardiomyopathy 26. Last evaluated: 2023-01-22. Review status: criteria provided, single submitter. Criteria: Invitae Variant Classification Sherloc (09022015). Collection method: clinical testing. Allele origin: germline.
Comment: In summary, the available evidence is currently insufficient to determine the role of this variant in disease. Therefore, it has been classified as a Variant of Uncertain Significance. Advanced modeling of protein sequence and biophysical properties (such as structural, functional, and spatial information, amino acid conservation, physicochemical variation, residue mobility, and thermodynamic stability) has been performed at Invitae for this missense variant, however the output from this modeling did not meet the statistical confidence thresholds required to predict the impact of this variant on FLNC protein function. This variant has not been reported in the literature in individuals affected with FLNC-related conditions. This variant is not present in population databases (gnomAD no frequency). This sequence change replaces serine, which is neutral and polar, with arginine, which is basic and polar, at codon 855 of the FLNC protein (p.Ser855Arg).

NM_001458.5(FLNC):c.2565C>G (p.Ser855Arg)

Gene: FLNC (filamin C; plus strand). Cytogenetic location: 7q32.1.
Variant type: single nucleotide variant.
Coding change: c.2565C>G on transcript NM_001458.5 (MANE Select); coding-DNA position 2565, C replaced by G.
Protein change: p.Ser855Arg; replaces serine 855 with arginine.
Molecular consequence: missense variant.
Genome position (GRCh38, 1-based): chr7:128,843,243, C>G. VCF-style: chr7-128843243-C-G. GRCh37 (hg19) VCF-style: chr7-128483297-C-G.
Other names: c.2565C>G, p.Ser855Arg (NM_001127487.2); short protein forms S855R.
Identifiers: ClinVar variation 2943535 (VCV002943535.3), dbSNP rs1184523904, ClinGen allele CA369192222.
Genomic context (GRCh38, chr7:128,843,243, plus strand): 5'-GGTGTGTTCCCCTCGAGAGCCCTGACTGAGCCTCCTCCACATCCAGGAGATCCCCGCCAG[C>G]CCCTTCCACATCAAGGTGGACCCATCCCACGATGCCAGCAAAGTCAAGGCCGAGGGCCCT-3'
Protein context (NP_001449.3, residues 845-865): VLFANQEIPA[Ser855Arg]PFHIKVDPSH